The following is an entry in ClinVar:

NM_015629.4(PRPF31):c.674del (p.Ala225fs)

Gene: PRPF31 (pre-mRNA processing factor 31; plus strand). Cytogenetic location: 19q13.42.
Variant type: Deletion.
Coding change: c.674del on transcript NM_015629.4 (MANE Select); coding-DNA position 674, one base deleted (C; older notation c.674delC).
Protein change: p.Ala225fs; shifts the reading frame from alanine 225.
Molecular consequence: frameshift variant.
Genome position (GRCh38, 1-based): chr19:54,123,895, C deleted. VCF-style (leftmost placement, unchanged base first): chr19-54123894-GC-G. GRCh37 (hg19) VCF-style: chr19-54627273-GC-G.
Other names: short protein forms A225fs.
Identifiers: ClinVar variation 2708998 (VCV002708998.3), dbSNP rs2516145631, ClinGen allele CA2697547247.
Genomic context (GRCh38, chr19:54,123,894, plus strand): 5'-TACGAGTATGTGGAGTCCCGGATGTCCTTCATCGCACCCAACCTGTCCATCATTATCGGG[GC>G]ATCCACGGCCGCCAAGATCATGGGTGAGTCCCCGGGCTGGGTCCCATGGAGCGGGGGTCT-3'

ClinVar aggregate classification (germline): Pathogenic (1 of 4 stars; one submission).

Submission:

Labcorp Genetics (formerly Invitae), Labcorp
Classification: Pathogenic. Last evaluated: 2023-06-10. Review status: criteria provided, single submitter. Criteria: Invitae Variant Classification Sherloc (09022015). Collection method: clinical testing. Allele origin: germline.
Comment: This sequence change creates a premature translational stop signal (p.Ala225Aspfs*14) in the PRPF31 gene. It is expected to result in an absent or disrupted protein product. Loss-of-function variants in PRPF31 are known to be pathogenic (PMID: 18317597, 23950152). For these reasons, this variant has been classified as Pathogenic. This variant has not been reported in the literature in individuals affected with PRPF31-related conditions. This variant is not present in population databases (gnomAD no frequency).

Literature cited by the submitters: PubMed 18317597; PubMed 23950152.